The following is an entry in ClinVar:

ClinVar aggregate classification (germline): Conflicting classifications of pathogenicity. Review status: criteria provided, conflicting classifications (1 of 4 stars). 2 submissions from 2 submitters: Uncertain significance (1); Likely benign (1). Last evaluated 2025-10-23.

Conditions:
Cardiovascular phenotype. Identifiers: MedGen CN230736.
Alagille syndrome due to a JAG1 point mutation. Also called: JAG1-Related Alagille Syndrome; Alagille Syndrome 1; HEPATIC DUCTULAR HYPOPLASIA, SYNDROMATIC. Identifiers: Orphanet 261619, Orphanet 52, MedGen C1956125, MONDO:0016862, OMIM 118450.

Allele frequency attached by ClinVar (database versions not stated): gnomAD 0.00001; gnomAD exomes 0.00001 and 0.00002; TOPMed 0.00001; ExAC 0.00004.
gnomAD v4.1: 18 of 1,613,934 alleles (0.0011%); highest among the groups gnomAD compares: South Asian, 0.0022%; no homozygotes.

Submissions (2):

Labcorp Genetics (formerly Invitae), Labcorp
Classification: Likely benign for Alagille syndrome due to a JAG1 point mutation. Last evaluated: 2025-10-23. Review status: criteria provided, single submitter. Criteria: Invitae Variant Classification Sherloc (09022015). Collection method: clinical testing. Allele origin: germline.

Ambry Genetics
Classification: Uncertain significance for Cardiovascular phenotype. Last evaluated: 2023-02-03. Review status: criteria provided, single submitter. Criteria: Ambry Variant Classification Scheme 2023. Collection method: clinical testing. Allele origin: germline.
Comment: The p.D923N variant (also known as c.2767G>A), located in coding exon 23 of the JAG1 gene, results from a G to A substitution at nucleotide position 2767. The aspartic acid at codon 923 is replaced by asparagine, an amino acid with highly similar properties. This amino acid position is conserved. In addition, this alteration is predicted to be tolerated by in silico analysis. Since supporting evidence is limited at this time, the clinical significance of this alteration remains unclear.

NM_000214.3(JAG1):c.2767G>A (p.Asp923Asn)

Gene: JAG1 (jagged canonical Notch ligand 1; minus strand). Cytogenetic location: 20p12.2.
Variant type: single nucleotide variant.
Coding change: c.2767G>A on transcript NM_000214.3 (MANE Select); coding-DNA position 2767, G replaced by A.
Protein change: p.Asp923Asn; replaces aspartic acid 923 with asparagine.
Molecular consequence: missense variant.
Genome position (GRCh38, 1-based): chr20:10,641,609, C>T on the plus strand (G>A on the coding strand, the complement: JAG1 is on the minus strand). VCF-style: chr20-10641609-C-T. GRCh37 (hg19) VCF-style: chr20-10622257-C-T.
Other names: short protein forms D923N.
Identifiers: ClinVar variation 859929 (VCV000859929.9), dbSNP rs775240101, ClinGen allele CA9764399.